The following is an entry in ClinVar:

NM_001197104.2(KMT2A):c.10846G>A (p.Val3616Ile)

Gene: KMT2A (lysine methyltransferase 2A; plus strand). Cytogenetic location: 11q23.3.
Variant type: single nucleotide variant.
Coding change: c.10846G>A on transcript NM_001197104.2 (MANE Select); coding-DNA position 10846, G replaced by A.
Protein change: p.Val3616Ile; replaces valine 3616 with isoleucine.
Molecular consequence: missense variant.
Genome position (GRCh38, 1-based): chr11:118,509,146, G>A. VCF-style: chr11-118509146-G-A. GRCh37 (hg19) VCF-style: chr11-118379861-G-A.
Other names: c.10936G>A, p.Val3646Ile (NM_001412597.1); c.10837G>A, p.Val3613Ile (NM_005933.4); short protein forms V3646I, V3616I, V3613I.
Identifiers: ClinVar variation 2097296 (VCV002097296.4), dbSNP rs1468774712, ClinGen allele CA382829434.

ClinVar aggregate classification (germline): Uncertain significance (1 of 4 stars; one submission).

Allele frequency attached by ClinVar (database versions not stated): TOPMed below 0.00001.
gnomAD v4.1: 1 of 1,613,892 alleles (0.000062%); highest among the groups gnomAD compares: East Asian, 0.0022%; no homozygotes.

Submission:

Labcorp Genetics (formerly Invitae), Labcorp
Classification: Uncertain significance. Last evaluated: 2024-03-20. Review status: criteria provided, single submitter. Criteria: Invitae Variant Classification Sherloc (09022015). Collection method: clinical testing. Allele origin: germline.
Comment: This sequence change replaces valine, which is neutral and non-polar, with isoleucine, which is neutral and non-polar, at codon 3616 of the KMT2A protein (p.Val3616Ile). This variant is not present in population databases (gnomAD no frequency). This variant has not been reported in the literature in individuals affected with KMT2A-related conditions. ClinVar contains an entry for this variant (Variation ID: 2097296). Advanced modeling of protein sequence and biophysical properties (such as structural, functional, and spatial information, amino acid conservation, physicochemical variation, residue mobility, and thermodynamic stability) performed at Invitae indicates that this missense variant is not expected to disrupt KMT2A protein function with a negative predictive value of 95%. In summary, the available evidence is currently insufficient to determine the role of this variant in disease. Therefore, it has been classified as a Variant of Uncertain Significance.